The following is an entry in ClinVar:

ClinVar aggregate classification (germline): Uncertain significance (1 of 4 stars; one submission).

Conditions:
POLD1-related polyposis and colorectal cancer syndrome (CRCS10). Also called: Colorectal cancer 10; COLORECTAL CANCER, SUSCEPTIBILITY TO, ON CHROMOSOME 19q; Colorectal cancer, susceptibility to, 10. Identifiers: Orphanet 220460, MedGen C2675481, MONDO:0012953, OMIM 612591.

Submission:

Labcorp Genetics (formerly Invitae), Labcorp
Classification: Uncertain significance for POLD1-related polyposis and colorectal cancer syndrome. Last evaluated: 2024-06-10. Review status: criteria provided, single submitter. Criteria: Invitae Variant Classification Sherloc (09022015). Collection method: clinical testing. Allele origin: germline.
Comment: This sequence change replaces tyrosine, which is neutral and polar, with cysteine, which is neutral and slightly polar, at codon 201 of the POLD1 protein (p.Tyr201Cys). This variant is not present in population databases (gnomAD no frequency). This variant has not been reported in the literature in individuals affected with POLD1-related conditions. Advanced modeling of protein sequence and biophysical properties (such as structural, functional, and spatial information, amino acid conservation, physicochemical variation, residue mobility, and thermodynamic stability) performed at Invitae indicates that this missense variant is not expected to disrupt POLD1 protein function with a negative predictive value of 80%. In summary, the available evidence is currently insufficient to determine the role of this variant in disease. Therefore, it has been classified as a Variant of Uncertain Significance.

NM_002691.4(POLD1):c.602A>G (p.Tyr201Cys)

Gene: POLD1 (DNA polymerase delta 1, catalytic subunit; plus strand). Cytogenetic location: 19q13.33.
Variant type: single nucleotide variant.
Coding change: c.602A>G on transcript NM_002691.4 (MANE Select); coding-DNA position 602, A replaced by G.
Protein change: p.Tyr201Cys; replaces tyrosine 201 with cysteine.
Molecular consequence: missense variant. On other transcripts: non-coding transcript variant (1).
Genome position (GRCh38, 1-based): chr19:50,402,217, A>G. VCF-style: chr19-50402217-A-G. GRCh37 (hg19) VCF-style: chr19-50905474-A-G.
Other names: c.602A>G, p.Tyr201Cys (NM_001256849.1, NM_001308632.1); short protein forms Y201C.
Identifiers: ClinVar variation 3656095 (VCV003656095.2).